The following is an entry in ClinVar:

ClinVar aggregate classification (germline): Uncertain significance (1 of 4 stars; one submission).

Conditions:
Developmental and epileptic encephalopathy, 43 (DEE43). Also called: Epileptic encephalopathy, early infantile, 43. Identifiers: MedGen C4310712, MONDO:0014921, OMIM 617113.

Submission:

Institute of Human Genetics, University of Leipzig Medical Center
Classification: Uncertain significance for Developmental and epileptic encephalopathy, 43. Last evaluated: 2022-05-04. Review status: criteria provided, single submitter. Criteria: ACMG Guidelines, 2015. Collection method: clinical testing. Allele origin: de novo. Affected: yes.
Comment: Despite strong evidence for its pathogenicity, this variant has to be classified as of unknown significance, according to the ACMG-criteria (Richards et al., 2015)_x000D_ Criteria applied: PS2_SUP, PM2_SUP, PP2, PP3

NM_000814.6(GABRB3):c.151C>G (p.Arg51Gly)

Gene: GABRB3 (gamma-aminobutyric acid type A receptor subunit beta3; minus strand). Cytogenetic location: 15q12.
Variant type: single nucleotide variant.
Coding change: c.151C>G on transcript NM_000814.6 (MANE Select); coding-DNA position 151, C replaced by G.
Protein change: p.Arg51Gly; replaces arginine 51 with glycine.
Molecular consequence: missense variant. On other transcripts: 5 prime UTR variant (1).
Genome position (GRCh38, 1-based): chr15:26,772,702, G>C on the plus strand (C>G on the coding strand, the complement: GABRB3 is on the minus strand). VCF-style: chr15-26772702-G-C. GRCh37 (hg19) VCF-style: chr15-27017849-G-C.
Other names: c.-201C>G (NM_001278631.2); c.151C>G, p.Arg51Gly (NM_021912.5); short protein forms R51G.
Identifiers: ClinVar variation 1691843 (VCV001691843.1), dbSNP rs2140199581, ClinGen allele CA391465374.